The following is an entry in ClinVar:

ClinVar aggregate classification (germline): Uncertain significance. Review status: criteria provided, multiple submitters, no conflicts (2 of 4 stars). 3 submissions from 3 submitters: Uncertain significance (2). 1 of the submissions does not count toward it. Last evaluated 2025-09-30.

Conditions:
Zellweger spectrum disorders (ZS). Also called: Zellweger Spectrum Disorder; Zellweger Spectrum; Zellweger syndrome; Zellweger Spectrum Disorder (ZSD). Identifiers: Orphanet 912, MedGen C0043459, MONDO:0019609.
Peroxisome biogenesis disorder, complementation group 7 (CG7). Also called: Peroxisome biogenesis disorder, complementation group B. Identifiers: MedGen C1864399.
PEX10-related disorder. Also called: PEX10-related condition.

Allele frequency attached by ClinVar (database versions not stated): gnomAD exomes below 0.00001; TOPMed below 0.00001; gnomAD 0.00001; ESP Exome Variant Server 0.00008.
gnomAD v4.1: 2 of 1,610,858 alleles (0.00012%); highest among the groups gnomAD compares: African/African-American, 0.0027%; no homozygotes.

Submissions (3):

PreventionGenetics, part of Exact Sciences
Classification: Uncertain significance for PEX10-related condition. Last evaluated: 2025-09-30. Review status: criteria provided, single submitter. Criteria: ACMG Guidelines, 2015. Collection method: clinical testing. Allele origin: germline.
Comment: The PEX10 c.758G>A variant is predicted to result in the amino acid substitution p.Gly253Glu. To our knowledge, this variant has not been reported in the literature. This variant is reported in 0.0066% of alleles in individuals of African descent in gnomAD. At this time, the clinical significance of this variant is uncertain due to the absence of conclusive functional and genetic evidence.

Labcorp Genetics (formerly Invitae), Labcorp
Classification: Uncertain significance for Peroxisome biogenesis disorder, complementation group 7. Last evaluated: 2022-07-11. Review status: criteria provided, single submitter. Criteria: Invitae Variant Classification Sherloc (09022015). Collection method: clinical testing. Allele origin: germline.
Comment: This sequence change replaces glycine, which is neutral and non-polar, with glutamic acid, which is acidic and polar, at codon 253 of the PEX10 protein (p.Gly253Glu). The frequency data for this variant in the population databases is considered unreliable, as metrics indicate poor data quality at this position in the gnomAD database. This variant has not been reported in the literature in individuals affected with PEX10-related conditions. ClinVar contains an entry for this variant (Variation ID: 1022263). Algorithms developed to predict the effect of missense changes on protein structure and function (SIFT, PolyPhen-2, Align-GVGD) all suggest that this variant is likely to be tolerated. In summary, the available evidence is currently insufficient to determine the role of this variant in disease. Therefore, it has been classified as a Variant of Uncertain Significance.

Natera, Inc.
Classification: Uncertain significance for Zellweger syndrome. Last evaluated: 2021-08-05. Review status: no assertion criteria provided. Collection method: clinical testing. Allele origin: germline. Not counted in ClinVar's aggregate classification.

NM_002617.4(PEX10):c.698G>A (p.Gly233Glu)

Gene: PEX10 (peroxisomal biogenesis factor 10; minus strand). Cytogenetic location: 1p36.32.
Variant type: single nucleotide variant.
Coding change: c.698G>A on transcript NM_002617.4 (MANE Select); coding-DNA position 698, G replaced by A.
Protein change: p.Gly233Glu; replaces glycine 233 with glutamic acid.
Molecular consequence: missense variant. On other transcripts: non-coding transcript variant (1).
Genome position (GRCh38, 1-based): chr1:2,406,798, C>T on the plus strand (G>A on the coding strand, the complement: PEX10 is on the minus strand). VCF-style: chr1-2406798-C-T. GRCh37 (hg19) VCF-style: chr1-2338237-C-T.
Other names: c.758G>A (NM_153818.1); c.755G>A, p.Gly252Glu (NM_001374425.1); c.323G>A, p.Gly108Glu (NM_001374426.1); c.266G>A, p.Gly89Glu (NM_001374427.1); c.758G>A, p.Gly253Glu (NM_153818.2); short protein forms G108E, G233E, G252E, G253E, G89E.
Identifiers: ClinVar variation 1022263 (VCV001022263.4), dbSNP rs372574195, ClinGen allele CA16943037.